The following is an entry in ClinVar:

ClinVar aggregate classification (germline): Uncertain significance (1 of 4 stars; one submission).

Conditions:
Aicardi-Goutieres syndrome 2. Identifiers: Orphanet 51, MedGen C3489724, MONDO:0012429, OMIM 610181.

Submission:

Labcorp Genetics (formerly Invitae), Labcorp
Classification: Uncertain significance for Aicardi-Goutieres syndrome 2. Last evaluated: 2025-02-03. Review status: criteria provided, single submitter. Criteria: Invitae Variant Classification Sherloc (09022015). Collection method: clinical testing. Allele origin: germline.
Comment: This sequence change creates a premature translational stop signal (p.Lys274Thrfs*7) in the RNASEH2B gene. While this is not anticipated to result in nonsense mediated decay, it is expected to disrupt the last 39 amino acid(s) of the RNASEH2B protein. This variant is not present in population databases (gnomAD no frequency). This variant has not been reported in the literature in individuals affected with RNASEH2B-related conditions. Experimental studies and prediction algorithms are not available or were not evaluated, and the functional significance of this variant is currently unknown. In summary, the available evidence is currently insufficient to determine the role of this variant in disease. Therefore, it has been classified as a Variant of Uncertain Significance.

NM_024570.4(RNASEH2B):c.820_821insCA (p.Lys274fs)

Gene: RNASEH2B (ribonuclease H2 subunit B; plus strand). Cytogenetic location: 13q14.3.
Variant type: Insertion.
Coding change: c.820_821insCA on transcript NM_024570.4 (MANE Select); coding-DNA positions 820 to 821, CA inserted.
Protein change: p.Lys274fs; shifts the reading frame from lysine 274.
Molecular consequence: frameshift variant. On other transcripts: intron variant (2).
Genome position: GRCh38 VCF-style: chr13-50953982-A-AAC. GRCh37 (hg19) VCF-style: chr13-51528118-A-AAC.
Other names: c.741+4478_741+4479insCA (NM_001142279.2, NM_001411023.1); short protein forms K274fs.
Identifiers: ClinVar variation 3646426 (VCV003646426.2).
Genomic context (GRCh38, chr13:50,953,982, plus strand): 5'-TGAGCCTGTAGAAGCAAAAGAAGATTACACTAAGTTTAATACTAAAGATTTGAAGACTGA[A>AAC]AAGGTATGTGGGTTCAGGTGTAGTGGTGTTTCGTTCATACTCAGTGCGTGATGTGCATGA-3'